The following is an entry in ClinVar:

ClinVar aggregate classification (germline): Likely benign. Review status: criteria provided, multiple submitters, no conflicts (2 of 4 stars). 2 submissions from 2 submitters: Likely benign (2). Last evaluated 2026-05-01.

Conditions:
Hereditary spastic paraplegia 4. Also called: Spastic paraplegia 4, autosomal dominant; Familial spastic paraplegia autosomal dominant 2; Spastic Paraplegia 4. Identifiers: Orphanet 100985, MedGen C1866855, MONDO:0008438, OMIM 182601.

gnomAD v4.1: 10 of 1,575,936 alleles (0.00063%); highest among the groups gnomAD compares: Admixed American, 0.0054%; no homozygotes.

Submissions (2):

CeGaT Center for Human Genetics Tuebingen
Classification: Likely benign. Last evaluated: 2026-05-01. Review status: criteria provided, single submitter. Criteria: CeGaT Center For Human Genetics Tuebingen Variant Classification Criteria Version 2. Collection method: clinical testing. Allele origin: germline. Affected: yes. Observed: 1 variant allele.
Comment: SPAST: BP4, BP7

Labcorp Genetics (formerly Invitae), Labcorp
Classification: Likely benign for Hereditary spastic paraplegia 4. Last evaluated: 2025-09-15. Review status: criteria provided, single submitter. Criteria: Invitae Variant Classification Sherloc (09022015). Collection method: clinical testing. Allele origin: germline.

NM_014946.4(SPAST):c.15T>G (p.Gly5=)

Gene: SPAST (spastin; plus strand). Cytogenetic location: 2p22.3.
Variant type: single nucleotide variant.
Coding change: c.15T>G on transcript NM_014946.4 (MANE Select); coding-DNA position 15, T replaced by G.
Protein change: p.Gly5=; no amino-acid change (glycine 5 retained).
Molecular consequence: synonymous variant.
Genome position (GRCh38, 1-based): chr2:32,063,846, T>G. VCF-style: chr2-32063846-T-G. GRCh37 (hg19) VCF-style: chr2-32288915-T-G.
Other names: c.15T>G, p.Gly5= (NM_001363823.2, NM_001363875.2, NM_001377959.1 and 1 more transcripts).
Identifiers: ClinVar variation 4739692 (VCV004739692.3).
Genomic context (GRCh38, chr2:32,063,846, plus strand): 5'-GTCTGCGGGAGGCGGGTTATGGCGGCGGCGGCAGTGAGAGCTGTGAATGAATTCTCCGGG[T>G]GGACGAGGGAAGAAGAAAGGCTCCGGCGGCGCCAGCAACCCGGTGCCTCCCAGGCCTCCG-3'
Protein context (NP_055761.2, residues 1-15): MNSP[Gly5=]GRGKKKGSGG